The following is an entry in ClinVar:

NM_006904.7(PRKDC):c.1141G>T (p.Val381Phe)

Gene: PRKDC (protein kinase, DNA-activated, catalytic subunit; minus strand). Cytogenetic location: 8q11.21.
Variant type: single nucleotide variant.
Coding change: c.1141G>T on transcript NM_006904.7 (MANE Select); coding-DNA position 1141, G replaced by T.
Protein change: p.Val381Phe; replaces valine 381 with phenylalanine.
Molecular consequence: missense variant.
Genome position (GRCh38, 1-based): chr8:47,936,490, C>A on the plus strand (G>T on the coding strand, the complement: PRKDC is on the minus strand). VCF-style: chr8-47936490-C-A. GRCh37 (hg19) VCF-style: chr8-48849050-C-A.
Other names: c.1141G>T, p.Val381Phe (NM_001081640.2); short protein forms V381F.
Identifiers: ClinVar variation 3310187 (VCV003310187.1).

ClinVar aggregate classification (germline): Uncertain significance (1 of 4 stars; one submission).

Submission:

Ambry Genetics
Classification: Uncertain significance. Last evaluated: 2024-06-16. Review status: criteria provided, single submitter. Criteria: Ambry Variant Classification Scheme 2023. Collection method: clinical testing. Allele origin: germline.
Comment: The p.V381F variant (also known as c.1141G>T), located in coding exon 12 of the PRKDC gene, results from a G to T substitution at nucleotide position 1141. The valine at codon 381 is replaced by phenylalanine, an amino acid with highly similar properties. This amino acid position is conserved. In addition, the in silico prediction for this alteration is inconclusive. Based on the available evidence, the clinical significance of this variant remains unclear.